The following is an entry in ClinVar:

ClinVar aggregate classification (germline): Uncertain significance. Review status: criteria provided, multiple submitters, no conflicts (2 of 4 stars). 2 submissions from 2 submitters: Uncertain significance (2). Last evaluated 2026-08-01.

Conditions:
Emery-Dreifuss muscular dystrophy 4, autosomal dominant (EDMD4). Also called: EMERY-DREIFUSS MUSCULAR DYSTROPHY 4 WITH VARIABLE FEATURES. Identifiers: Orphanet 261, MedGen C2751807, MONDO:0013071, OMIM 612998.
Autosomal recessive ataxia, Beauce type. Also called: SYNE1 Deficiency; Spinocerebellar ataxia, autosomal recessive 8; ATAXIA, RECESSIVE, OF BEAUCE; SYNE1-Related Autosomal Recessive Cerebellar Ataxia. Identifiers: Orphanet 88644, MedGen C1853116, MONDO:0012549, OMIM 610743.

Allele frequency attached by ClinVar (database versions not stated): ExAC 0.00001; gnomAD exomes 0.00001.

Submissions (2):

CeGaT Center for Human Genetics Tuebingen
Classification: Uncertain significance. Last evaluated: 2026-08-01. Review status: criteria provided, single submitter. Criteria: CeGaT Center For Human Genetics Tuebingen Variant Classification Criteria Version 2. Collection method: clinical testing. Allele origin: germline. Affected: yes. Observed: 1 variant allele.
Comment: SYNE1: PM2, BP4

Labcorp Genetics (formerly Invitae), Labcorp
Classification: Uncertain significance for Emery-Dreifuss muscular dystrophy 4, autosomal dominant; Autosomal recessive ataxia, Beauce type. Last evaluated: 2025-10-01. Review status: criteria provided, single submitter. Criteria: Invitae Variant Classification Sherloc (09022015). Collection method: clinical testing. Allele origin: germline.
Comment: This sequence change replaces arginine, which is basic and polar, with glutamine, which is neutral and polar, at codon 8470 of the SYNE1 protein (p.Arg8470Gln). This variant is present in population databases (rs370008122, gnomAD 0.006%). This variant has not been reported in the literature in individuals affected with SYNE1-related conditions. ClinVar contains an entry for this variant (Variation ID: 863549). An algorithm developed to predict the effect of missense changes on protein structure and function outputs the following: PolyPhen-2: "Benign". The glutamine amino acid residue is found in multiple mammalian species, which suggests that this missense change does not adversely affect protein function. In summary, the available evidence is currently insufficient to determine the role of this variant in disease. Therefore, it has been classified as a Variant of Uncertain Significance.

NM_182961.4(SYNE1):c.25553G>A (p.Arg8518Gln)

Gene: SYNE1 (spectrin repeat containing nuclear envelope protein 1; minus strand). Cytogenetic location: 6q25.2.
Variant type: single nucleotide variant.
Coding change: c.25553G>A on transcript NM_182961.4 (MANE Select); coding-DNA position 25553, G replaced by A.
Protein change: p.Arg8518Gln; replaces arginine 8518 with glutamine.
Molecular consequence: missense variant.
Genome position (GRCh38, 1-based): chr6:152,136,724, C>T on the plus strand (G>A on the coding strand, the complement: SYNE1 is on the minus strand). VCF-style: chr6-152136724-C-T. GRCh37 (hg19) VCF-style: chr6-152457859-C-T.
Other names: c.2159G>A, p.Arg720Gln (NM_001347701.2); c.2087G>A, p.Arg696Gln (NM_001347702.2); c.25409G>A, p.Arg8470Gln (NM_033071.5); short protein forms R8518Q, R696Q, R8470Q, R720Q.
Identifiers: ClinVar variation 863549 (VCV000863549.8), dbSNP rs370008122, ClinGen allele CA4052800.